The following is an entry in ClinVar:

NM_153689.6(C2orf69):c.651T>C (p.Ser217=)

Gene: C2orf69 (chromosome 2 open reading frame 69; plus strand). Cytogenetic location: 2q33.1.
Variant type: single nucleotide variant.
Coding change: c.651T>C on transcript NM_153689.6 (MANE Select); coding-DNA position 651, T replaced by C.
Protein change: p.Ser217=; no amino-acid change (serine 217 retained).
Molecular consequence: synonymous variant.
Genome position (GRCh38, 1-based): chr2:199,925,379, T>C. VCF-style: chr2-199925379-T-C. GRCh37 (hg19) VCF-style: chr2-200790102-T-C.
Identifiers: ClinVar variation 3389413 (VCV003389413.14).

ClinVar aggregate classification (germline): Likely benign (1 of 4 stars; one submission).

gnomAD v4.1: 8 of 1,613,672 alleles (0.0005%); highest among the groups gnomAD compares: Admixed American, 0.0017%; no homozygotes.

Submission:

CeGaT Center for Human Genetics Tuebingen
Classification: Likely benign. Last evaluated: 2024-10-01. Review status: criteria provided, single submitter. Criteria: CeGaT Center For Human Genetics Tuebingen Variant Classification Criteria Version 2. Collection method: clinical testing. Allele origin: germline. Affected: yes. Observed: 1 variant allele.
Comment: C2orf69: BP4, BP7